The following is an entry in ClinVar:

NC_000003.12:g.(?_10146504)_(10149975_?)del

Genes: VHL (von Hippel-Lindau tumor suppressor; plus strand), LOC107303340 (3p25 von Hippel-Lindau tumor suppressor, E3 ubiquitin protein ligase Alu-mediated recombination region; plus strand). Cytogenetic location: 3p25.3.
Variant type: Deletion.
Identifiers: ClinVar variation 659603 (VCV000659603.2).

ClinVar aggregate classification (germline): Pathogenic (1 of 4 stars; one submission).

Conditions:
Chuvash polycythemia. Also called: POLYCYTHEMIA, VHL-DEPENDENT. Identifiers: Orphanet 238557, MedGen C1837915, MONDO:0009892, OMIM 263400.
Von Hippel-Lindau syndrome (VHLS). Also called: von Hippel–Lindau syndrome; VHL syndrome; Von Hippel-Lindau. Identifiers: Orphanet 892, MedGen C0019562, MONDO:0008667, OMIM 193300. Disease mechanism: loss of function.

Submission:

Labcorp Genetics (formerly Invitae), Labcorp
Classification: Pathogenic for Von Hippel-Lindau syndrome; Erythrocytosis, familial, 2. Last evaluated: 2019-05-29. Review status: criteria provided, single submitter. Criteria: Invitae Variant Classification Sherloc (09022015). Collection method: clinical testing. Allele origin: germline.
Comment: This variant is a gross deletion of the genomic region encompassing exons 2-3 of the VHL gene. The 5' boundary is likely confined to intron 1. The 3' end of this event is unknown as it extends through the termination codon beyond the assayed region for this gene and may encompass additional genes. While this deletion is not anticipated to result in nonsense mediated decay, it is expected to create a truncated protein product or disrupt mRNA translation. Deletions of exons 2-3 have been reported several in individuals with von Hippel-Lindau (VHL) syndrome (PMID: 19336503, 17661816, 12114495, 19764026). This deletion includes the elongin binding domain of VHL, which is required for protein stability and tumor suppressive activity (PMID: 14987375, 10900011). There are also several pathogenic missense and loss-of-function variants encompassed by this deletion in individuals with VHL, further demonstrating the importance of this region (PMID: 8707293). For these reasons, this variant has been classified as Pathogenic.

Literature cited by the submitters: PubMed 8707293; PubMed 12114495; PubMed 19764026; PubMed 19336503; PubMed 14987375; PubMed 17661816; PubMed 10900011.